The following is an entry in ClinVar:

ClinVar aggregate classification (germline): Uncertain significance (1 of 4 stars; one submission).

Conditions:
Episodic ataxia type 2 (EA2). Also called: ACETAZOLAMIDE-RESPONSIVE HEREDITARY PAROXYSMAL CEREBELLAR ATAXIA; ATAXIA, EPISODIC, WITH NYSTAGMUS; ATAXIA, FAMILIAL PAROXYSMAL; CEREBELLAR ATAXIA, PAROXYSMAL, ACETAZOLAMIDE-RESPONSIVE; CEREBELLOPATHY, HEREDITARY PAROXYSMAL; EPISODIC ATAXIA, NYSTAGMUS-ASSOCIATED. Identifiers: Orphanet 97, MedGen C1720416, MONDO:0007163, OMIM 108500.
Developmental and epileptic encephalopathy, 42 (DEE42A). Also called: Epileptic encephalopathy, early infantile, 42; DEVELOPMENTAL AND EPILEPTIC ENCEPHALOPATHY 42A; EPILEPTIC ENCEPHALOPATHY, EARLY INFANTILE, 42A. Identifiers: MedGen C4310716, MONDO:0014917, OMIM 617106.

Submission:

Labcorp Genetics (formerly Invitae), Labcorp
Classification: Uncertain significance for Developmental and epileptic encephalopathy, 42; Episodic ataxia type 2. Last evaluated: 2024-07-17. Review status: criteria provided, single submitter. Criteria: Invitae Variant Classification Sherloc (09022015). Collection method: clinical testing. Allele origin: germline.
Comment: This sequence change replaces proline, which is neutral and non-polar, with leucine, which is neutral and non-polar, at codon 1111 of the CACNA1A protein (p.Pro1111Leu). This variant is not present in population databases (gnomAD no frequency). This variant has not been reported in the literature in individuals affected with CACNA1A-related conditions. Advanced modeling of protein sequence and biophysical properties (such as structural, functional, and spatial information, amino acid conservation, physicochemical variation, residue mobility, and thermodynamic stability) performed at Invitae indicates that this missense variant is not expected to disrupt CACNA1A protein function with a negative predictive value of 95%. In summary, the available evidence is currently insufficient to determine the role of this variant in disease. Therefore, it has been classified as a Variant of Uncertain Significance.

NM_001127222.2(CACNA1A):c.3329C>T (p.Pro1110Leu)

Gene: CACNA1A (calcium voltage-gated channel subunit alpha1 A; minus strand). Cytogenetic location: 19p13.13.
Variant type: single nucleotide variant.
Coding change: c.3329C>T on transcript NM_001127222.2 (MANE Select); coding-DNA position 3329, C replaced by T.
Protein change: p.Pro1110Leu; replaces proline 1110 with leucine.
Molecular consequence: missense variant.
Genome position (GRCh38, 1-based): chr19:13,286,727, G>A on the plus strand (C>T on the coding strand, the complement: CACNA1A is on the minus strand). VCF-style: chr19-13286727-G-A. GRCh37 (hg19) VCF-style: chr19-13397541-G-A.
Other names: c.3341C>T, p.Pro1114Leu (NM_000068.4, NM_023035.3); c.3332C>T, p.Pro1111Leu (NM_001127221.2, NM_001174080.2); short protein forms P1110L, P1111L, P1114L.
Identifiers: ClinVar variation 3750318 (VCV003750318.2).